The following is an entry in ClinVar:

NM_004304.5(ALK):c.4535_4536del (p.Thr1512fs)

Gene: ALK (ALK receptor tyrosine kinase; minus strand). Cytogenetic location: 2p23.2.
Variant type: Deletion.
Coding change: c.4535_4536del on transcript NM_004304.5 (MANE Select); coding-DNA positions 4535 to 4536, 2 bases deleted (CA; older notation c.4535_4536delCA).
Protein change: p.Thr1512fs; shifts the reading frame from threonine 1512.
Molecular consequence: frameshift variant.
Genome position (GRCh38, 1-based): chr2:29,193,551-29,193,552, TG deleted on the plus strand (CA on the coding strand, the reverse complement: ALK is on the minus strand); deleting any 2 consecutive bases within chr2:29,193,551-29,193,553 gives the same sequence; the c. name uses the placement nearest the transcript's 3' end. VCF-style (leftmost placement, unchanged base first): chr2-29193550-CTG-C. GRCh37 (hg19) VCF-style: chr2-29416416-CTG-C.
Other names: c.1331_1332del, p.Thr444fs (NM_001353765.2); short protein forms T444fs, T1512fs.
Identifiers: ClinVar variation 4271210 (VCV004271210.2).

ClinVar aggregate classification (germline): Uncertain significance (1 of 4 stars; one submission).

Conditions:
Hereditary cancer-predisposing syndrome. Also called: Neoplastic Syndromes, Hereditary; Tumor predisposition; Hereditary Cancer Syndrome; Hereditary neoplastic syndrome. Identifiers: Orphanet 140162, MedGen C0027672, MeSH D009386, MONDO:0015356.

Submission:

Ambry Genetics
Classification: Uncertain significance for Hereditary cancer-predisposing syndrome. Last evaluated: 2026-08-04. Review status: criteria provided, single submitter. Criteria: Ambry Variant Classification Scheme 2023. Collection method: clinical testing. Allele origin: germline.
Comment: The c.4535_4536delCA variant, located in coding exon 29 of the ALK gene, results from a deletion of two nucleotides at nucleotide positions 4535 to 4536, causing a translational frameshift with a predicted alternate stop codon (p.T1512Rfs*8). This variant occurs at the 3' terminus of the gene and is not expected to trigger nonsense-mediated mRNA decay. Based on the available evidence, the clinical significance of this variant remains unclear.